The following is an entry in ClinVar:

NM_001384125.1(BLTP1):c.2019T>G (p.Asp673Glu)

Gene: BLTP1 (bridge-like lipid transfer protein family member 1; plus strand). Cytogenetic location: 4q27.
Variant type: single nucleotide variant.
Coding change: c.2019T>G on transcript NM_001384125.1 (MANE Select); coding-DNA position 2019, T replaced by G.
Protein change: p.Asp673Glu; replaces aspartic acid 673 with glutamic acid.
Molecular consequence: missense variant.
Genome position (GRCh38, 1-based): chr4:122,209,905, T>G. VCF-style: chr4-122209905-T-G. GRCh37 (hg19) VCF-style: chr4-123131060-T-G.
Other names: c.2019T>G, p.Asp673Glu (NM_015312.4); short protein forms D673E.
Identifiers: ClinVar variation 3370015 (VCV003370015.1).
Genomic context (GRCh38, chr4:122,209,905, plus strand): 5'-CCCAAGTGTCATGCTTACAATTGATTATACATGGCATCCAATTTATCCACAAAAAGCAGA[T>G]GAACAGCTGAAACAATCATGTAAGTGTTTTTATATAATTTGTGCTTTTATACAGCTGCTA-3'
Protein context (NP_001371054.1, residues 663-683): TWHPIYPQKA[Asp673Glu]EQLKQSLSEM

ClinVar aggregate classification (germline): Uncertain significance (1 of 4 stars; one submission).

gnomAD v4.1: 1 of 1,613,384 alleles (0.000062%); highest among the groups gnomAD compares: Non-Finnish European, 0.000085%; no homozygotes.

Submission:

GeneDx
Classification: Uncertain significance. Last evaluated: 2023-12-22. Review status: criteria provided, single submitter. Criteria: GeneDx Variant Classification Process June 2021. Collection method: clinical testing. Allele origin: germline. Affected: yes.
Comment: Not observed at significant frequency in large population cohorts (gnomAD); In silico analysis supports that this missense variant does not alter protein structure/function; Has not been previously published as pathogenic or benign to our knowledge